The following is an entry in ClinVar:

NM_001171.6(ABCC6):c.607T>C (p.Cys203Arg)

Gene: ABCC6 (ATP binding cassette subfamily C member 6; minus strand). Cytogenetic location: 16p13.11.
Variant type: single nucleotide variant.
Coding change: c.607T>C on transcript NM_001171.6 (MANE Select); coding-DNA position 607, T replaced by C.
Protein change: p.Cys203Arg; replaces cysteine 203 with arginine.
Molecular consequence: missense variant. On other transcripts: non-coding transcript variant (1).
Genome position (GRCh38, 1-based): chr16:16,212,240, A>G on the plus strand (T>C on the coding strand, the complement: ABCC6 is on the minus strand). VCF-style: chr16-16212240-A-G. GRCh37 (hg19) VCF-style: chr16-16306097-A-G.
Other names: c.265T>C, p.Cys89Arg (NM_001351800.1); short protein forms C89R, C203R.
Identifiers: ClinVar variation 2342684 (VCV002342684.4), dbSNP rs556731532, ClinGen allele CA7926618.

ClinVar aggregate classification (germline): Conflicting classifications of pathogenicity. Review status: criteria provided, conflicting classifications (1 of 4 stars). 3 submissions from 3 submitters: Uncertain significance (2); Likely benign (1). Last evaluated 2025-12-26.

Conditions:
ABCC6-related disorder. Also called: ABCC6-related condition.
Inborn genetic diseases. Identifiers: MedGen C0950123, MeSH D030342.

Allele frequency attached by ClinVar (database versions not stated): TOPMed 0.00005; gnomAD exomes 0.00009; ExAC 0.00015; 1000 Genomes Project 0.00060; 1000 Genomes Project 30x 0.00062.

Submissions (3):

PreventionGenetics, part of Exact Sciences
Classification: Uncertain significance for ABCC6-related condition. Last evaluated: 2025-12-26. Review status: criteria provided, single submitter. Criteria: ACMG Guidelines, 2015. Collection method: clinical testing. Allele origin: germline.
Comment: The ABCC6 c.607T>C variant is predicted to result in the amino acid substitution p.Cys203Arg. To our knowledge, this variant has not been reported in the literature. This variant is reported in 0.36% of alleles in individuals of East Asian descent in gnomAD. However, this variant is located within a highly paralogous region and population data frequency should be interpreted with caution. At this time, the clinical significance of this variant is uncertain due to the absence of conclusive functional and genetic evidence.

Blueprint Genetics
Classification: Likely benign. Last evaluated: 2024-09-19. Review status: criteria provided, single submitter. Criteria: ACMG Guidelines, 2015. Collection method: clinical testing. Allele origin: germline.

Ambry Genetics
Classification: Uncertain significance for Inborn genetic diseases. Last evaluated: 2021-07-14. Review status: criteria provided, single submitter. Criteria: Ambry Variant Classification Scheme 2023. Collection method: clinical testing. Allele origin: germline.